The following is an entry in ClinVar:

ClinVar aggregate classification (germline): Uncertain significance. Review status: criteria provided, multiple submitters, no conflicts (2 of 4 stars). 3 submissions from 3 submitters: Uncertain significance (3). Last evaluated 2023-11-21.

Conditions:
Inborn genetic diseases. Identifiers: MedGen C0950123, MeSH D030342.
Microcephaly 7, primary, autosomal recessive. Identifiers: Orphanet 2512, MedGen C2675187, MONDO:0012989, OMIM 612703.

Allele frequency attached by ClinVar (database versions not stated): gnomAD exomes 0.00001 and 0.00006; TOPMed 0.00003; ExAC 0.00004.
gnomAD v4.1: 25 of 1,613,928 alleles (0.0015%); highest among the groups gnomAD compares: Admixed American, 0.038%; no homozygotes.

Submissions (3):

Ambry Genetics
Classification: Uncertain significance for Inborn genetic diseases. Last evaluated: 2023-11-21. Review status: criteria provided, single submitter. Criteria: Ambry Variant Classification Scheme 2023. Collection method: clinical testing. Allele origin: germline.

Department of Pathology and Laboratory Medicine, Sinai Health System
Classification: Uncertain significance for Microcephaly 7, primary, autosomal recessive. Last evaluated: 2023-04-23. Review status: criteria provided, single submitter. Criteria: ACMG Guidelines, 2015. Collection method: research. Allele origin: germline.

Baylor Genetics
Classification: Uncertain significance for Microcephaly 7, primary, autosomal recessive. Last evaluated: 2018-12-18. Review status: criteria provided, single submitter. Criteria: ACMG Guidelines, 2015. Collection method: clinical testing. Allele origin: paternal. Affected: yes.
Comment: This variant was determined to be of uncertain significance according to ACMG Guidelines, 2015 [PMID:25741868].

NM_001048166.1(STIL):c.1507T>G (p.Cys503Gly)

Gene: STIL (STIL centriolar assembly protein; minus strand). Cytogenetic location: 1p33.
Variant type: single nucleotide variant.
Coding change: c.1507T>G on transcript NM_001048166.1 (MANE Select); coding-DNA position 1507, T replaced by G.
Protein change: p.Cys503Gly; replaces cysteine 503 with glycine.
Molecular consequence: missense variant.
Genome position (GRCh38, 1-based): chr1:47,280,951, A>C on the plus strand (T>G on the coding strand, the complement: STIL is on the minus strand). VCF-style: chr1-47280951-A-C. GRCh37 (hg19) VCF-style: chr1-47746623-A-C.
Other names: c.1507T>G, p.Cys503Gly (NM_001282936.1, NM_001282937.1, NM_003035.2); c.1366T>G, p.Cys456Gly (NM_001282938.1, NM_001282939.1, NM_001377417.1); short protein forms C503G, C456G.
Identifiers: ClinVar variation 1032102 (VCV001032102.3), dbSNP rs772401403, ClinGen allele CA842331.
Genomic context (GRCh38, chr1:47,280,951, plus strand): 5'-TAATACTGTTCCTGGTATGGGGGTTCCCTTTCTTATAGGCAGGTGGCTGTCTTACTTTGC[A>C]GTGTCTCAAAAGAGCTGGTTTATCCTGGTTTAACTGATTTGGTATTCCTCTCAAGGAAGG-3'
Protein context (NP_001041631.1, residues 493-513): NQDKPALLRH[Cys503Gly]KVRQPPAYKK